The following is an entry in ClinVar:

NM_019066.5(MAGEL2):c.1A>C (p.Met1Leu)

Gene: MAGEL2 (MAGE family member L2; minus strand). Cytogenetic location: 15q11.2.
Variant type: single nucleotide variant.
Coding change: c.1A>C on transcript NM_019066.5 (MANE Select); coding-DNA position 1, A replaced by C.
Protein change: p.Met1Leu; changes the start codon (methionine 1).
Molecular consequence: missense variant, initiator codon variant.
Genome position (GRCh38, 1-based): chr15:23,647,742, T>G on the plus strand (A>C on the coding strand, the complement: MAGEL2 is on the minus strand). VCF-style: chr15-23647742-T-G. GRCh37 (hg19) VCF-style: chr15-23892889-T-G.
Other names: short protein forms M1L.
Identifiers: ClinVar variation 504171 (VCV000504171.3), dbSNP rs1350074368, ClinGen allele CA391338125.

ClinVar aggregate classification (germline): Likely pathogenic (1 of 4 stars; one submission).

Submission:

GeneDx
Classification: Likely pathogenic. Last evaluated: 2018-02-05. Review status: criteria provided, single submitter. Criteria: GeneDx Variant Classification (06012015). Collection method: clinical testing. Allele origin: germline. Affected: yes.
Comment: The c.1 A>C variant in the MAGEL2 gene has not been reported previously as a pathogenic variant, nor as a benign variant, to our knowledge. As this variant changes the translation initiator Methionine codon, the resultant protein is described as p.Met1?, using a question mark to signify that it is not known if the loss of Met1 means that all protein translation is completely prevented or if an abnormal protein is produced using an alternate Methionine. The c.1 A>C variant is not observed in large population cohorts (Lek et al., 2016). We interpret c.1 A>C as a likely pathogenic variant.